The following is an entry in ClinVar:

NM_004519.4(KCNQ3):c.457G>A (p.Gly153Arg)

Gene: KCNQ3 (potassium voltage-gated channel subfamily Q member 3; minus strand). Cytogenetic location: 8q24.22.
Variant type: single nucleotide variant.
Coding change: c.457G>A on transcript NM_004519.4 (MANE Select); coding-DNA position 457, G replaced by A.
Protein change: p.Gly153Arg; replaces glycine 153 with arginine.
Molecular consequence: missense variant.
Genome position (GRCh38, 1-based): chr8:132,186,111, C>T on the plus strand (G>A on the coding strand, the complement: KCNQ3 is on the minus strand). VCF-style: chr8-132186111-C-T. GRCh37 (hg19) VCF-style: chr8-133198358-C-T.
Other names: c.97G>A, p.Gly33Arg (NM_001204824.2); short protein forms G153R, G33R.
Identifiers: ClinVar variation 4083067 (VCV004083067.2).

ClinVar aggregate classification (germline): Uncertain significance (1 of 4 stars; one submission).

Submission:

GeneDx
Classification: Uncertain significance. Last evaluated: 2026-05-18. Review status: criteria provided, single submitter. Criteria: GeneDx Variant Classification Process June 2021. Collection method: clinical testing. Allele origin: germline.
Comment: Not observed at significant frequency in large population cohorts (gnomAD); In silico analysis suggests that this missense variant does not alter protein structure/function; Has not been previously published as pathogenic or benign to our knowledge